The following is an entry in ClinVar:

NM_033028.5(BBS4):c.1248+1G>T

Gene: BBS4 (Bardet-Biedl syndrome 4; plus strand). Cytogenetic location: 15q24.1.
Variant type: single nucleotide variant.
Coding change: c.1248+1G>T on transcript NM_033028.5 (MANE Select); the canonical splice donor site of the intron after coding-DNA position 1248, G replaced by T.
Molecular consequence: splice donor variant.
Genome position (GRCh38, 1-based): chr15:72,735,967, G>T. VCF-style: chr15-72735967-G-T. GRCh37 (hg19) VCF-style: chr15-73028308-G-T.
Other names: c.1179+1G>T (NM_001320665.2); c.732+1G>T (NM_001252678.2).
Identifiers: ClinVar variation 841735 (VCV000841735.11), dbSNP rs1419924139, ClinGen allele CA393080261.

ClinVar aggregate classification (germline): Pathogenic. Review status: criteria provided, multiple submitters, no conflicts (2 of 4 stars). 2 submissions from 2 submitters: Pathogenic (2). Last evaluated 2023-09-12.

Conditions:
Bardet-Biedl syndrome (BBS). Identifiers: Orphanet 110, MedGen C0752166, MONDO:0015229.
Bardet-Biedl syndrome 4 (BBS4). Identifiers: Orphanet 110, MedGen C2936864, MONDO:0014433, OMIM 615982.

Allele frequency attached by ClinVar (database versions not stated): gnomAD below 0.00001 and 0.00001.
gnomAD v4.1: 1 of 1,613,924 alleles (0.000062%); highest among the groups gnomAD compares: South Asian, 0.0011%; no homozygotes.

Submissions (2):

Labcorp Genetics (formerly Invitae), Labcorp
Classification: Pathogenic for Bardet-Biedl syndrome. Last evaluated: 2023-09-12. Review status: criteria provided, single submitter. Criteria: Invitae Variant Classification Sherloc (09022015). Collection method: clinical testing. Allele origin: germline.
Comment: This sequence change affects a donor splice site in intron 14 of the BBS4 gene. It is expected to disrupt RNA splicing. Variants that disrupt the donor or acceptor splice site typically lead to a loss of protein function (PMID: 16199547), and loss-of-function variants in BBS4 are known to be pathogenic (PMID: 11381270, 12016587, 20177705, 27894351). This variant is not present in population databases (gnomAD no frequency). Disruption of this splice site has been observed in individual(s) with clinical features of Bardet-Biedl syndrome (Invitae). ClinVar contains an entry for this variant (Variation ID: 841735). Algorithms developed to predict the effect of sequence changes on RNA splicing suggest that this variant may disrupt the consensus splice site. For these reasons, this variant has been classified as Pathogenic.

Revvity Omics, Revvity
Classification: Pathogenic for Bardet-Biedl syndrome 4. Last evaluated: 2020-11-28. Review status: criteria provided, single submitter. Criteria: ACMG Guidelines, 2015. Collection method: clinical testing. Allele origin: germline.

Literature cited by the submitters: PubMed 16199547 (cited by Labcorp Genetics (formerly Invitae), Labcorp); PubMed 11381270 (cited by Labcorp Genetics (formerly Invitae), Labcorp); PubMed 12016587 (cited by Labcorp Genetics (formerly Invitae), Labcorp); PubMed 20177705 (cited by Labcorp Genetics (formerly Invitae), Labcorp); PubMed 27894351 (cited by Labcorp Genetics (formerly Invitae), Labcorp).